The following is an entry in ClinVar:

NM_014336.5(AIPL1):c.158G>A (p.Arg53Gln)

Gene: AIPL1 (AIP like 1 HSP90 co-chaperone; minus strand). Cytogenetic location: 17p13.2.
Variant type: single nucleotide variant.
Coding change: c.158G>A on transcript NM_014336.5 (MANE Select); coding-DNA position 158, G replaced by A.
Protein change: p.Arg53Gln; replaces arginine 53 with glutamine.
Molecular consequence: missense variant. On other transcripts: intron variant (2).
Genome position (GRCh38, 1-based): chr17:6,434,037, C>T on the plus strand (G>A on the coding strand, the complement: AIPL1 is on the minus strand). VCF-style: chr17-6434037-C-T. GRCh37 (hg19) VCF-style: chr17-6337357-C-T.
Other names: c.158G>A, p.Arg53Gln (NM_001033054.3, NM_001285401.3, NM_001285403.4); c.122G>A, p.Arg41Gln (NM_001285399.3); c.41G>A, p.Arg14Gln (NM_001285402.2); c.96+972G>A (NM_001033055.3); c.97-5G>A (NM_001285400.3); short protein forms R41Q, R14Q, R53Q.
Identifiers: ClinVar variation 960452 (VCV000960452.8), dbSNP rs756283764, ClinGen allele CA8328606.

ClinVar aggregate classification (germline): Uncertain significance. Review status: criteria provided, multiple submitters, no conflicts (2 of 4 stars). 2 submissions from 2 submitters: Uncertain significance (2). Last evaluated 2022-10-04.

Conditions:
AIPL1-related retinopathy. Also called: AIPL1 retinopathy. Identifiers: MedGen CN305590, MONDO:0100438.
Leber congenital amaurosis 4 (LCA4). Identifiers: MedGen C1858386, MONDO:0011458, OMIM 604393.

Allele frequency attached by ClinVar (database versions not stated): ExAC 0.00002; gnomAD 0.00003; gnomAD exomes 0.00003; TOPMed 0.00003.
gnomAD v4.1: 68 of 1,614,018 alleles (0.0042%); highest among the groups gnomAD compares: Middle Eastern, 0.066%; no homozygotes.

Submissions (2):

Labcorp Genetics (formerly Invitae), Labcorp
Classification: Uncertain significance for Leber congenital amaurosis 4. Last evaluated: 2022-10-04. Review status: criteria provided, single submitter. Criteria: Invitae Variant Classification Sherloc (09022015). Collection method: clinical testing. Allele origin: germline.
Comment: This sequence change replaces arginine, which is basic and polar, with glutamine, which is neutral and polar, at codon 53 of the AIPL1 protein (p.Arg53Gln). This variant is present in population databases (rs756283764, gnomAD 0.005%). This variant has not been reported in the literature in individuals affected with AIPL1-related conditions. ClinVar contains an entry for this variant (Variation ID: 960452). Advanced modeling of protein sequence and biophysical properties (such as structural, functional, and spatial information, amino acid conservation, physicochemical variation, residue mobility, and thermodynamic stability) performed at Invitae indicates that this missense variant is not expected to disrupt AIPL1 protein function. In summary, the available evidence is currently insufficient to determine the role of this variant in disease. Therefore, it has been classified as a Variant of Uncertain Significance.

Department of Pathology and Laboratory Medicine, Sinai Health System
Classification: Uncertain significance for AIPL1-related retinopathy. Last evaluated: 2021-09-27. Review status: criteria provided, single submitter. Criteria: ACMG Guidelines, 2015. Collection method: research. Allele origin: germline.